The following is an entry in ClinVar:

ClinVar aggregate classification (germline): Uncertain significance (1 of 4 stars; one submission).

Conditions:
Bryant-Li-Bhoj neurodevelopmental syndrome 1 (BRYLIB1). Identifiers: MedGen C5676905, MONDO:0030606, OMIM 619720.

Submission:

3billion
Classification: Uncertain significance for Bryant-Li-Bhoj neurodevelopmental syndrome 1. Last evaluated: 2023-02-23. Review status: criteria provided, single submitter. Criteria: ACMG Guidelines, 2015. Collection method: clinical testing. Allele origin: unknown. Affected: yes.
Comment: The variant is not observed in the gnomAD v2.1.1 dataset. Missense changes are a common disease-causing mechanism. In silico tool predictions suggest damaging effect of the variant on gene or gene product (3Cnet: 0.74). A different missense change at the same codon (p.Thr46Ile) has been reported to be associated with H3-3A related disorder (ClinVar ID: VCV000985335 / PMID: 33268356). Therefore, this variant is classified as VUS according to the recommendation of ACMG/AMP guideline.

Literature cited by the submitters: PubMed 33268356.

NM_002107.7(H3-3A):c.137C>A (p.Thr46Asn)

Gene: H3-3A (H3.3 histone A; plus strand). Cytogenetic location: 1q42.12.
Variant type: single nucleotide variant.
Coding change: c.137C>A on transcript NM_002107.7 (MANE Select); coding-DNA position 137, C replaced by A.
Protein change: p.Thr46Asn; replaces threonine 46 with asparagine.
Molecular consequence: missense variant.
Genome position (GRCh38, 1-based): chr1:226,065,664, C>A. VCF-style: chr1-226065664-C-A. GRCh37 (hg19) VCF-style: chr1-226253365-C-A.
Other names: c.137C>A, p.Thr46Asn (NM_001379043.1, NM_001379045.1, NM_001379046.1 and 1 more transcripts); short protein forms T46N.
Identifiers: ClinVar variation 2444025 (VCV002444025.1), dbSNP rs1657901999, ClinGen allele CA345016514.